The following is an entry in ClinVar:

NM_015559.3(SETBP1):c.3239G>C (p.Gly1080Ala)

Gene: SETBP1 (SET binding protein 1; plus strand). Cytogenetic location: 18q12.3.
Variant type: single nucleotide variant.
Coding change: c.3239G>C on transcript NM_015559.3 (MANE Select); coding-DNA position 3239, G replaced by C.
Protein change: p.Gly1080Ala; replaces glycine 1080 with alanine.
Molecular consequence: missense variant.
Genome position (GRCh38, 1-based): chr18:44,952,579, G>C. VCF-style: chr18-44952579-G-C. GRCh37 (hg19) VCF-style: chr18-42532544-G-C.
Other names: c.3239G>C, p.Gly1080Ala (NM_001379141.1, NM_001379142.1, NM_001410862.1); short protein forms G1080A.
Identifiers: ClinVar variation 2175275 (VCV002175275.4), dbSNP rs2071385311, ClinGen allele CA402323966.

ClinVar aggregate classification (germline): Uncertain significance (1 of 4 stars; one submission).

Submission:

Labcorp Genetics (formerly Invitae), Labcorp
Classification: Uncertain significance. Last evaluated: 2023-07-17. Review status: criteria provided, single submitter. Criteria: Invitae Variant Classification Sherloc (09022015). Collection method: clinical testing. Allele origin: germline.
Comment: In summary, the available evidence is currently insufficient to determine the role of this variant in disease. Therefore, it has been classified as a Variant of Uncertain Significance. An algorithm developed to predict the effect of missense changes on protein structure and function (PolyPhen-2) suggests that this variant is likely to be disruptive. ClinVar contains an entry for this variant (Variation ID: 2175275). This variant has not been reported in the literature in individuals affected with SETBP1-related conditions. This variant is not present in population databases (gnomAD no frequency). This sequence change replaces glycine, which is neutral and non-polar, with alanine, which is neutral and non-polar, at codon 1080 of the SETBP1 protein (p.Gly1080Ala).